The following is an entry in ClinVar:

NM_001199138.2(NLRC4):c.1779T>G (p.Asp593Glu)

Gene: NLRC4 (NLR family CARD domain containing 4; minus strand). Cytogenetic location: 2p22.3.
Variant type: single nucleotide variant.
Coding change: c.1779T>G on transcript NM_001199138.2 (MANE Select); coding-DNA position 1779, T replaced by G.
Protein change: p.Asp593Glu; replaces aspartic acid 593 with glutamic acid.
Molecular consequence: missense variant. On other transcripts: intron variant (1).
Genome position (GRCh38, 1-based): chr2:32,250,085, A>C on the plus strand (T>G on the coding strand, the complement: NLRC4 is on the minus strand). VCF-style: chr2-32250085-A-C. GRCh37 (hg19) VCF-style: chr2-32475154-A-C.
Other names: c.1779T>G, p.Asp593Glu (NM_001199139.2, NM_021209.5); c.262+2334T>G (NM_001302504.1); short protein forms D593E.
Identifiers: ClinVar variation 1719337 (VCV001719337.5), dbSNP rs2466758146, ClinGen allele CA346511720.

ClinVar aggregate classification (germline): Uncertain significance (1 of 4 stars; one submission).

Conditions:
Familial cold autoinflammatory syndrome 4 (FCAS4). Identifiers: Orphanet 47045, Orphanet 576349, MedGen C4015276, MONDO:0014498, OMIM 616115.
Periodic fever-infantile enterocolitis-autoinflammatory syndrome. Also called: Autoinflammation with infantile enterocolitis. Identifiers: Orphanet 436166, MedGen C4015067, MONDO:0014472, OMIM 616050.

Submission:

Labcorp Genetics (formerly Invitae), Labcorp
Classification: Uncertain significance for Periodic fever-infantile enterocolitis-autoinflammatory syndrome; Familial cold autoinflammatory syndrome 4. Last evaluated: 2022-09-13. Review status: criteria provided, single submitter. Criteria: Invitae Variant Classification Sherloc (09022015). Collection method: clinical testing. Allele origin: germline.
Comment: This variant has not been reported in the literature in individuals affected with NLRC4-related conditions. In summary, the available evidence is currently insufficient to determine the role of this variant in disease. Therefore, it has been classified as a Variant of Uncertain Significance. Algorithms developed to predict the effect of missense changes on protein structure and function are either unavailable or do not agree on the potential impact of this missense change (SIFT: "Deleterious"; PolyPhen-2: "Benign"; Align-GVGD: "Class C0"). This variant is not present in population databases (gnomAD no frequency). This sequence change replaces aspartic acid, which is acidic and polar, with glutamic acid, which is acidic and polar, at codon 593 of the NLRC4 protein (p.Asp593Glu).